The following is an entry in ClinVar:

NM_000715.4(C4BPA):c.640T>A (p.Ser214Thr)

Gene: C4BPA (complement component 4 binding protein alpha; plus strand). Cytogenetic location: 1q32.2.
Variant type: single nucleotide variant.
Coding change: c.640T>A on transcript NM_000715.4 (MANE Select); coding-DNA position 640, T replaced by A.
Protein change: p.Ser214Thr; replaces serine 214 with threonine.
Molecular consequence: missense variant.
Genome position (GRCh38, 1-based): chr1:207,124,300, T>A. VCF-style: chr1-207124300-T-A. GRCh37 (hg19) VCF-style: chr1-207297645-T-A.
Other names: short protein forms S214T.
Identifiers: ClinVar variation 2632437 (VCV002632437.1), dbSNP rs2526419842, ClinGen allele CA344505353.

ClinVar aggregate classification (germline): Uncertain significance (1 of 4 stars; one submission).

Conditions:
C4BPA-related disorder. Also called: C4BPA-related condition.

Submission:

PreventionGenetics, part of Exact Sciences
Classification: Uncertain significance for C4BPA-related condition. Last evaluated: 2023-05-16. Review status: criteria provided, single submitter. Criteria: ACMG Guidelines, 2015. Collection method: clinical testing. Allele origin: germline.
Comment: The C4BPA c.640T>A variant is predicted to result in the amino acid substitution p.Ser214Thr. To our knowledge, this variant has not been reported in the literature or in a large population database, indicating this variant is rare. At this time, the clinical significance of this variant is uncertain due to the absence of conclusive functional and genetic evidence.